The following is an entry in ClinVar:

NM_001127208.3(TET2):c.3030G>T (p.Glu1010Asp)

Genes: TET2 (tet methylcytosine dioxygenase 2; plus strand), TET2-AS1 (TET2 antisense RNA 1; minus strand). Cytogenetic location: 4q24.
Variant type: single nucleotide variant.
Coding change: c.3030G>T on transcript NM_001127208.3 (MANE Select); coding-DNA position 3030, G replaced by T.
Protein change: p.Glu1010Asp; replaces glutamic acid 1010 with aspartic acid.
Molecular consequence: missense variant.
Genome position (GRCh38, 1-based): chr4:105,236,972, G>T. VCF-style: chr4-105236972-G-T. GRCh37 (hg19) VCF-style: chr4-106158129-G-T.
Other names: c.3030G>T, p.Glu1010Asp (NM_017628.4); short protein forms E1010D.
Identifiers: ClinVar variation 2063643 (VCV002063643.2), dbSNP rs770136804, ClinGen allele CA3032002.

ClinVar aggregate classification (germline): Uncertain significance (1 of 4 stars; one submission).

Allele frequency attached by ClinVar (database versions not stated): ExAC 0.00002; gnomAD exomes 0.00002; gnomAD 0.00029; TOPMed 0.00035.
gnomAD v4.1: 79 of 1,613,976 alleles (0.0049%); highest among the groups gnomAD compares: Admixed American, 0.13%; no homozygotes.

Submission:

Labcorp Genetics (formerly Invitae), Labcorp
Classification: Uncertain significance. Last evaluated: 2024-11-21. Review status: criteria provided, single submitter. Criteria: Invitae Variant Classification Sherloc (09022015). Collection method: clinical testing. Allele origin: germline.
Comment: This sequence change replaces glutamic acid, which is acidic and polar, with aspartic acid, which is acidic and polar, at codon 1010 of the TET2 protein (p.Glu1010Asp). This variant is present in population databases (rs770136804, gnomAD 0.08%). This variant has not been reported in the literature in individuals affected with TET2-related conditions. ClinVar contains an entry for this variant (Variation ID: 2063643). An algorithm developed to predict the effect of missense changes on protein structure and function outputs the following: PolyPhen-2: "Benign". The aspartic acid amino acid residue is found in multiple mammalian species, which suggests that this missense change does not adversely affect protein function. In summary, the available evidence is currently insufficient to determine the role of this variant in disease. Therefore, it has been classified as a Variant of Uncertain Significance.